The following is an entry in ClinVar:

NM_015443.4(KANSL1):c.1653-11C>T

Gene: KANSL1 (KAT8 regulatory NSL complex subunit 1). Cytogenetic location: 17q21.31.
Variant type: single nucleotide variant.
Coding change: c.1653-11C>T on transcript NM_015443.4 (MANE Select); 11 bases into the intron before coding-DNA position 1653, C replaced by T.
Molecular consequence: intron variant.
Genome position (GRCh38, 1-based): chr17:46,066,743, G>A on the plus strand (C>T on the coding strand, the complement: KANSL1 is on the minus strand). VCF-style: chr17-46066743-G-A. GRCh37 (hg19) VCF-style: chr17-44144109-G-A.
Other names: c.1653-11C>T (NM_001193465.2, NM_001379198.1, NM_001193466.2).
Identifiers: ClinVar variation 516471 (VCV000516471.9), dbSNP rs201471275, ClinGen allele CA8618754.

ClinVar aggregate classification (germline): Benign/Likely benign. Review status: criteria provided, multiple submitters, no conflicts (2 of 4 stars). 2 submissions from 2 submitters: Benign (1); Likely benign (1). Last evaluated 2026-01-02.

Conditions:
Koolen-de Vries syndrome (KDVS). Identifiers: Orphanet 96169, MedGen C1864871, MONDO:0012496, OMIM 610443.

Allele frequency attached by ClinVar (database versions not stated): gnomAD exomes 0.00009; ExAC 0.00015; 1000 Genomes Project 30x 0.00031; gnomAD 0.00032 and 0.00035; 1000 Genomes Project 0.00040; ESP Exome Variant Server 0.00046; TOPMed 0.00050.
gnomAD v4.1: 88 of 1,594,480 alleles (0.0055%); highest among the groups gnomAD compares: African/African-American, 0.11%; no homozygotes.

Submissions (2):

Labcorp Genetics (formerly Invitae), Labcorp
Classification: Benign for Koolen-de Vries syndrome. Last evaluated: 2026-01-02. Review status: criteria provided, single submitter. Criteria: Invitae Variant Classification Sherloc (09022015). Collection method: clinical testing. Allele origin: germline.

GeneDx
Classification: Likely benign. Last evaluated: 2018-02-22. Review status: criteria provided, single submitter. Criteria: GeneDx Variant Classification (06012015). Collection method: clinical testing. Allele origin: germline. Affected: yes.
Comment: This variant is considered likely benign or benign based on one or more of the following criteria: it is a conservative change, it occurs at a poorly conserved position in the protein, it is predicted to be benign by multiple in silico algorithms, and/or has population frequency not consistent with disease.